The following is an entry in ClinVar:

ClinVar aggregate classification (germline): Pathogenic (1 of 4 stars; one submission).

Submission:

Labcorp Genetics (formerly Invitae), Labcorp
Classification: Pathogenic. Last evaluated: 2022-01-12. Review status: criteria provided, single submitter. Criteria: Invitae Variant Classification Sherloc (09022015). Collection method: clinical testing. Allele origin: germline.
Comment: For these reasons, this variant has been classified as Pathogenic. This variant has not been reported in the literature in individuals affected with MTTP-related conditions. This variant is not present in population databases (gnomAD no frequency). This sequence change creates a premature translational stop signal (p.Tyr57*) in the MTTP gene. It is expected to result in an absent or disrupted protein product. Loss-of-function variants in MTTP are known to be pathogenic (PMID: 8533758, 9671739).

Literature cited by the submitters: PubMed 8533758; PubMed 9671739.

NM_001386140.1(MTTP):c.171C>G (p.Tyr57Ter)

Gene: MTTP (microsomal triglyceride transfer protein; plus strand). Cytogenetic location: 4q23.
Variant type: single nucleotide variant.
Coding change: c.171C>G on transcript NM_001386140.1 (MANE Select); coding-DNA position 171, C replaced by G.
Protein change: p.Tyr57Ter; replaces tyrosine 57 with a stop codon.
Molecular consequence: nonsense. On other transcripts: 5 prime UTR variant (1).
Genome position (GRCh38, 1-based): chr4:99,582,014, C>G. VCF-style: chr4-99582014-C-G. GRCh37 (hg19) VCF-style: chr4-100503171-C-G.
Other names: c.171C>G, p.Tyr57Ter (NM_000253.4); c.-79C>G (NM_001300785.2); short protein forms Y57*.
Identifiers: ClinVar variation 2080628 (VCV002080628.4), dbSNP rs2476086913, ClinGen allele CA357500886.
Genomic context (GRCh38, chr4:99,582,014, plus strand): 5'-GTACTCCACTGAAGTTCTTCTTGATCGGGGCAAAGGAAAACTGCAAGACAGCGTGGGCTA[C>G]CGCATTTCCTCCAACGTGGATGTGGCCTTACTATGGAGGAATCCTGATGGTGATGATGAC-3'